The following is an entry in ClinVar:

ClinVar aggregate classification (germline): Pathogenic/Likely pathogenic. Review status: criteria provided, multiple submitters, no conflicts (2 of 4 stars). 4 submissions from 4 submitters: Pathogenic (3); Likely pathogenic (1). Last evaluated 2024-12-18.

Conditions:
Congenital myasthenic syndrome 4A. Also called: Myasthenic syndrome, congenital, 4a, slow-channel; MYASTHENIC SYNDROME, CONGENITAL, 4A, SLOW-CHANNEL, AUTOSOMAL RECESSIVE; CONGENITAL MYASTHENIC SYNDROME TYPE Ia1. Identifiers: Orphanet 590, MedGen C4225413, MONDO:0011600, OMIM 605809.
Congenital myasthenic syndrome (CMS). Also called: Congenital Myasthenic Syndromes. Identifiers: Orphanet 590, MedGen C0751882, MeSH D020294, MONDO:0018940.

gnomAD v4.1: 2 of 1,614,058 alleles (0.00012%); highest among the groups gnomAD compares: Non-Finnish European, 0.000085%; no homozygotes.

Submissions (4):

Natera, Inc.
Classification: Likely pathogenic for Congenital myasthenic syndrome. Last evaluated: 2024-12-18. Review status: criteria provided, single submitter. Criteria: Natera Variant Classification Schema (03/2026). Collection method: clinical testing. Allele origin: germline.
Comment: The c.372C>G variant in CHRNE is a nonsense variant predicted to introduce a stop codon at amino acid 124. This variant is expected to result in nonsense mediated decay, truncation, or a dysfunctional protein product. This variant is rare in the general population with a frequency below the threshold expected for the associated phenotype(s). Given the available evidence, this variant is classified as Likely Pathogenic.

Myriad Genetics, Inc.
Classification: Pathogenic for Congenital myasthenic syndrome. Last evaluated: 2024-06-14. Review status: criteria provided, single submitter. Criteria: Myriad Autosomal Dominant, Autosomal Recessive and X-Linked Classification Criteria (2023). Collection method: clinical testing. Allele origin: unknown.
Comment: NM_000080.3(CHRNE):c.372C>G(Y124*) is expected to be pathogenic in the context of congenital myasthenic syndrome, CHRNE-related. This variant is predicted to lead to an abnormal or absent protein product due to the creation of a premature termination codon in CHRNE, a gene where loss-of-function variants are known to be pathogenic. Please note: this variant was assessed in the context of healthy population screening.

Labcorp Genetics (formerly Invitae), Labcorp
Classification: Pathogenic for Congenital myasthenic syndrome 4A. Last evaluated: 2023-12-08. Review status: criteria provided, single submitter. Criteria: Invitae Variant Classification Sherloc (09022015). Collection method: clinical testing. Allele origin: germline.
Comment: This sequence change creates a premature translational stop signal (p.Tyr124*) in the CHRNE gene. It is expected to result in an absent or disrupted protein product. Loss-of-function variants in CHRNE are known to be pathogenic (PMID: 22678886). This variant is present in population databases (no rsID available, gnomAD 0.0009%). This variant has not been reported in the literature in individuals affected with CHRNE-related conditions. ClinVar contains an entry for this variant (Variation ID: 1452179). For these reasons, this variant has been classified as Pathogenic.

Baylor Genetics
Classification: Pathogenic for Congenital myasthenic syndrome 4A. Last evaluated: 2023-10-18. Review status: criteria provided, single submitter. Criteria: ACMG Guidelines, 2015. Collection method: clinical testing. Allele origin: unknown.

Literature cited by the submitters: PubMed 22678886 (cited by Labcorp Genetics (formerly Invitae), Labcorp).

NM_000080.4(CHRNE):c.372C>G (p.Tyr124Ter)

Genes: C17orf107 (chromosome 17 open reading frame 107; plus strand), CHRNE (cholinergic receptor nicotinic epsilon subunit; minus strand). Cytogenetic location: 17p13.2.
Variant type: single nucleotide variant.
Coding change: c.372C>G on transcript NM_000080.4 (MANE Select); coding-DNA position 372, C replaced by G.
Protein change: p.Tyr124Ter; replaces tyrosine 124 with a stop codon.
Molecular consequence: nonsense. On other transcripts: 3 prime UTR variant (1).
Genome position (GRCh38, 1-based): chr17:4,902,060, G>C on the plus strand (C>G on the coding strand, the complement: CHRNE is on the minus strand). VCF-style: chr17-4902060-G-C. GRCh37 (hg19) VCF-style: chr17-4805355-G-C.
Other names: c.372C>G (NM_000080.3); c.*1527G>C (NM_001145536.2); short protein forms Y124*.
Identifiers: ClinVar variation 1452179 (VCV001452179.9), dbSNP rs894382905, ClinGen allele CA287186270.